The following is an entry in ClinVar:

NM_000081.4(LYST):c.5661A>G (p.Glu1887=)

Gene: LYST (lysosomal trafficking regulator; minus strand). Cytogenetic location: 1q42.3.
Variant type: single nucleotide variant.
Coding change: c.5661A>G on transcript NM_000081.4 (MANE Select); coding-DNA position 5661, A replaced by G.
Protein change: p.Glu1887=; no amino-acid change (glutamic acid 1887 retained).
Molecular consequence: synonymous variant.
Genome position (GRCh38, 1-based): chr1:235,773,965, T>C on the plus strand (A>G on the coding strand, the complement: LYST is on the minus strand). VCF-style: chr1-235773965-T-C. GRCh37 (hg19) VCF-style: chr1-235937265-T-C.
Other names: p.Glu1887=; c.5661A>G, p.Glu1887= (NM_001301365.1); c.5661A>G (NM_000081.3).
Identifiers: ClinVar variation 1631876 (VCV001631876.12), dbSNP rs751813278, ClinGen allele CA39621225.

ClinVar aggregate classification (germline): Likely benign. Review status: criteria provided, multiple submitters, no conflicts (2 of 4 stars). 5 submissions from 5 submitters: Likely benign (5). Last evaluated 2026-07-01.

Conditions:
Chédiak-Higashi syndrome (CHS). Also called: Chediak-Higashi Syndrome. Identifiers: Orphanet 167, MedGen C0007965, MONDO:0008963, OMIM 214500.
LYST-related disorder. Also called: LYST-related condition.

gnomAD v4.1: 9 of 1,605,586 alleles (0.00056%); highest among the groups gnomAD compares: Non-Finnish European, 0.00077%; no homozygotes.

Submissions (5):

CeGaT Center for Human Genetics Tuebingen
Classification: Likely benign. Last evaluated: 2026-07-01. Review status: criteria provided, single submitter. Criteria: CeGaT Center For Human Genetics Tuebingen Variant Classification Criteria Version 2. Collection method: clinical testing. Allele origin: germline. Affected: yes. Observed: 1 variant allele.
Comment: LYST: BP4, BP7

Labcorp Genetics (formerly Invitae), Labcorp
Classification: Likely benign for Chédiak-Higashi syndrome. Last evaluated: 2025-04-17. Review status: criteria provided, single submitter. Criteria: Invitae Variant Classification Sherloc (09022015). Collection method: clinical testing. Allele origin: germline.

PreventionGenetics, part of Exact Sciences
Classification: Likely benign for LYST-related condition. Last evaluated: 2025-04-03. Review status: criteria provided, single submitter. Criteria: ACMG Guidelines, 2015. Collection method: clinical testing. Allele origin: germline.
Comment: This variant is classified as likely benign based on ACMG/AMP sequence variant interpretation guidelines (Richards et al. 2015 PMID: 25741868, with internal and published modifications).

Mayo Clinic Laboratories, Mayo Clinic
Classification: Likely benign. Last evaluated: 2025-02-10. Review status: criteria provided, single submitter. Criteria: ACMG Guidelines, 2015. Collection method: clinical testing. Allele origin: germline. Observed: 1 variant allele.
Comment: BP4, BP7

Women's Health and Genetics/Laboratory Corporation of America, LabCorp
Classification: Likely benign. Last evaluated: 2024-09-04. Review status: criteria provided, single submitter. Criteria: LabCorp Variant Classification Summary - May 2015. Collection method: clinical testing. Allele origin: germline.